The following is an entry in ClinVar:

ClinVar aggregate classification (germline): Benign. Review status: criteria provided, multiple submitters, no conflicts (2 of 4 stars). 5 submissions from 5 submitters: Benign (5). Last evaluated 2025-03-20.

Conditions:
Inborn genetic diseases. Identifiers: MedGen C0950123, MeSH D030342.

Allele frequency attached by ClinVar (database versions not stated): ExAC 0.48727; gnomAD exomes 0.38537 and 0.37935; gnomAD 0.37587 and 0.39389.

Submissions (5):

Mayo Clinic Laboratories, Mayo Clinic
Classification: Benign. Last evaluated: 2025-03-20. Review status: criteria provided, single submitter. Criteria: ACMG Guidelines, 2015. Collection method: clinical testing. Allele origin: germline. Observed: 11 variant alleles.

GeneDx
Classification: Benign. Last evaluated: 2019-08-15. Review status: criteria provided, single submitter. Criteria: GeneDx Variant Classification Process June 2021. Collection method: clinical testing. Allele origin: germline. Affected: yes.
Comment: This variant is associated with the following publications: (PMID: 27884173, 23585368)

Laboratory for Molecular Medicine, Mass General Brigham Personalized Medicine
Classification: Benign. Last evaluated: 2016-03-29. Review status: criteria provided, single submitter. Criteria: LMM Criteria. Collection method: clinical testing. Allele origin: germline.
Comment: Variant identified in a genome or exome case(s) and assessed due to predicted null impact of the variant or pathogenic assertions in the literature or databases. Disclaimer: This variant has not undergone full assessment. The following are preliminary notes: Frequency in 1000Genomes: 272/2178=12.4%

Ambry Genetics
Classification: Benign for Inborn genetic diseases. Last evaluated: 2016-03-23. Review status: criteria provided, single submitter. Criteria: Ambry Variant Classification Scheme 2023. Collection method: clinical testing. Allele origin: germline.

Eurofins Ntd Llc (ga)
Classification: Benign. Last evaluated: 2014-04-09. Review status: criteria provided, single submitter. Criteria: EGL Classification Definitions 2015. Collection method: clinical testing. Allele origin: germline.

NM_030665.4(RAI1):c.837_838del (p.Gln280fs)

Gene: RAI1 (retinoic acid induced 1; plus strand). Cytogenetic location: 17p11.2.
Variant type: Deletion.
Coding change: c.837_838del on transcript NM_030665.4 (MANE Select); coding-DNA positions 837 to 838, 2 bases deleted (GC; older notation c.837_838delGC).
Protein change: p.Gln280fs; shifts the reading frame from glutamine 280.
Molecular consequence: frameshift variant.
Genome position (GRCh38, 1-based): chr17:17,793,785-17,793,786, GC deleted. VCF-style (leftmost placement, unchanged base first): chr17-17793784-AGC-A. GRCh37 (hg19) VCF-style: chr17-17697098-AGC-A.
Other names: p.Gln280Alafs*108; c.837_838delGC (NM_030665.3); short protein forms Q280fs.
Identifiers: ClinVar variation 167555 (VCV000167555.15), dbSNP rs35068024, ClinGen allele CA180360.